The following is an entry in ClinVar:

ClinVar aggregate classification (germline): Conflicting classifications of pathogenicity. Review status: criteria provided, conflicting classifications (1 of 4 stars). 8 submissions from 8 submitters: Pathogenic (3); Likely pathogenic (3); Uncertain significance (1). 1 of the submissions does not count toward it. Last evaluated 2025-07-01.

Conditions:
PHKA2-related disorder. Also called: PHKA2-related condition.
Glycogen storage disease IXa1. Also called: GLYCOGEN STORAGE DISEASE VIII; GSD VIII; Glycogen storage disease 8; LIVER GLYCOGENOSIS, X-LINKED, TYPE I. Identifiers: Orphanet 264580, MedGen C3694531, MONDO:0010598, OMIM 306000.
X-linked PHKA2-related disorders.
Glycogen phosphorylase kinase deficiency. Also called: Phosphorylase Kinase Deficiency; Glycogen Storage Disease Type IX. Identifiers: Orphanet 370, MedGen C0268147, MONDO:0700291.

Allele frequency attached by ClinVar (database versions not stated): gnomAD exomes 0.00002 and 0.00004; TOPMed 0.00003; gnomAD 0.00005; ExAC 0.00007; ESP Exome Variant Server 0.00009.
gnomAD v4.1: 27 of 1,207,536 alleles (0.0022%); highest among the groups gnomAD compares: Admixed American, 0.0043%; no homozygotes.

Submissions (8):

CeGaT Center for Human Genetics Tuebingen
Classification: Pathogenic. Last evaluated: 2025-07-01. Review status: criteria provided, single submitter. Criteria: CeGaT Center For Human Genetics Tuebingen Variant Classification Criteria Version 2. Collection method: clinical testing. Allele origin: germline. Affected: yes. Observed: 3 variant alleles.
Comment: PHKA2: PP1:Strong, PS4, PM2, PP3

Variantyx, Inc.
Classification: Likely pathogenic for X-linked PHKA2-related disorders. Last evaluated: 2025-06-13. Review status: criteria provided, single submitter. Criteria: Variantyx Assertion Criteria 2022. Collection method: clinical testing. Allele origin: maternal. Inheritance: X-linked recessive inheritance. Affected: yes.
Comment: This is a nonsynonymous variant in the PHKA2 gene (OMIM: 300798). Pathogenic variants in this gene have been associated with X-linked PHKA2-related disorder. This variant has been reported in multiple unrelated affected individuals (PMID: 34117828) (PS4_Moderate). The clinical symptoms reported in these affected individuals are highly specific for X-linked glycogen storage disease type IXa (GSD IXa), which has a limited genetic etiology (PMID: 34117828 ) (PP4). This variant has been observed to segregate with disease in at least seven individuals from two families (PMID: 34117828 ) (PP1_Moderate). Functional studies have shown that this variant alters PHKA2 protein function (PMID: 34117828) (PS3), but computational algorithms produce conflicting evidence regarding the predicted functional impact of this variant (REVEL score: 0.625). This variant has a 0.0043% maximum allele frequency in non-founder control populations (PM2). Based on the current evidence, this variant is classified as likely pathogenic for X-linked PHKA2-related disorder.

Labcorp Genetics (formerly Invitae), Labcorp
Classification: Pathogenic for Glycogen storage disease IXa1. Last evaluated: 2025-05-27. Review status: criteria provided, single submitter. Criteria: Invitae Variant Classification Sherloc (09022015). Collection method: clinical testing. Allele origin: germline.
Comment: This sequence change replaces arginine, which is basic and polar, with glycine, which is neutral and non-polar, at codon 2 of the PHKA2 protein (p.Arg2Gly). This variant is present in population databases (rs140014925, gnomAD 0.006%). This missense change has been observed in individual(s) with clinical features of glycogen storage disease type IXa (PMID: 34117828). It has also been observed to segregate with disease in related individuals. ClinVar contains an entry for this variant (Variation ID: 1013871). Invitae Evidence Modeling of protein sequence and biophysical properties (such as structural, functional, and spatial information, amino acid conservation, physicochemical variation, residue mobility, and thermodynamic stability) indicates that this missense variant is expected to disrupt PHKA2 protein function with a positive predictive value of 80%. For these reasons, this variant has been classified as Pathogenic.

Blueprint Genetics
Classification: Uncertain significance. Last evaluated: 2024-05-29. Review status: criteria provided, single submitter. Criteria: ACMG Guidelines, 2015. Collection method: clinical testing. Allele origin: germline.

Institute of Human Genetics, University of Leipzig Medical Center
Classification: Likely pathogenic for Glycogen storage disease IXa1. Last evaluated: 2023-10-30. Review status: criteria provided, single submitter. Criteria: ACMG Guidelines, 2015. Collection method: clinical testing. Allele origin: unknown. Inheritance: X-linked recessive inheritance. Affected: yes.
Comment: Criteria applied: PP1_STR,PS4_MOD,PM2_SUP,PP3

Women's Health and Genetics/Laboratory Corporation of America, LabCorp
Classification: Pathogenic for Glycogen phosphorylase kinase deficiency. Last evaluated: 2023-04-12. Review status: criteria provided, single submitter. Criteria: LabCorp Variant Classification Summary - May 2015. Collection method: clinical testing. Allele origin: germline.
Comment: Variant summary: PHKA2 c.4C>G (p.Arg2Gly) results in a non-conservative amino acid change in the encoded protein sequence. Four of five in-silico tools predict a damaging effect of the variant on protein function. The variant allele was found at a frequency of 4.4e-05 in 182789 control chromosomes. c.4C>G has been reported in the literature in multiple individuals from multiple families affected with Glycogen Phosphorylase Kinase Deficiency (Benner_2021), and shown to segregate with disease. These data indicate that the variant is very likely to be associated with disease. To our knowledge, no experimental evidence demonstrating an impact on protein function has been reported. Three clinical diagnostic laboratories have submitted clinical-significance assessments for this variant to ClinVar after 2014 and classified as Pathogenic (n=2) and VUS (n=1). Based on the evidence outlined above, the variant was classified as pathogenic.

Juno Genomics, Hangzhou Juno Genomics, Inc
Classification: Likely pathogenic for Glycogen storage disease IXa1. Review status: criteria provided, single submitter. Criteria: ACMG Guidelines, 2015. Collection method: clinical testing. Allele origin: germline.
Comment: Absent from controls (or at extremely low frequency if recessive) in Genome Aggregation Database.;The prevalence of the variant in affected individuals is significantly increased compared to the prevalence in controls.;Co-segregation with disease in multiple affected family members.;Patient's phenotype or family history is highly specific for a disease with a single genetic etiology.

PreventionGenetics, part of Exact Sciences
Classification: Likely pathogenic for PHKA2-related condition. Last evaluated: 2024-08-30. Review status: no assertion criteria provided. Collection method: clinical testing. Allele origin: germline. Not counted in ClinVar's aggregate classification.
Comment: The PHKA2 c.4C>G variant is predicted to result in the amino acid substitution p.Arg2Gly. This variant has been reported in multiple unrelated individuals, mainly in the hemizygous state in males with ketotic hypoglycemia. It was reported to segregate with disease in at least two described families. Phosphorylase kinase activity in leukocytes was reduced to 20% of control in siblings from one of the reported families (Benner et al. 2021. PubMed ID: 34117828). This variant is reported in 0.0061% of alleles in individuals of European (Non-Finnish) descent in gnomAD, including 1 hemizygous individual. Taken together, we classify this variant as likely pathogenic.

Literature cited by the submitters: PubMed 34117828 (cited by 3 submitters).

NM_000292.3(PHKA2):c.4C>G (p.Arg2Gly)

Gene: PHKA2 (phosphorylase kinase regulatory subunit alpha 2; minus strand). Cytogenetic location: Xp22.13.
Variant type: single nucleotide variant.
Coding change: c.4C>G on transcript NM_000292.3 (MANE Select); coding-DNA position 4, C replaced by G.
Protein change: p.Arg2Gly; replaces arginine 2 with glycine.
Molecular consequence: missense variant.
Genome position (GRCh38, 1-based): chrX:18,983,929, G>C on the plus strand (C>G on the coding strand, the complement: PHKA2 is on the minus strand). VCF-style: chrX-18983929-G-C. GRCh37 (hg19) VCF-style: chrX-19002047-G-C.
Other names: short protein forms R2G.
Identifiers: ClinVar variation 1013871 (VCV001013871.45), dbSNP rs140014925, ClinGen allele CA10362215.